The following is an entry in ClinVar:

ClinVar aggregate classification (germline): Uncertain significance (1 of 4 stars; one submission).

gnomAD v4.1: 11 of 1,614,002 alleles (0.00068%); highest among the groups gnomAD compares: South Asian, 0.0099%; no homozygotes.

Submission:

GeneDx
Classification: Uncertain significance. Last evaluated: 2024-02-06. Review status: criteria provided, single submitter. Criteria: GeneDx Variant Classification Process June 2021. Collection method: clinical testing. Allele origin: germline. Affected: yes.
Comment: In silico analysis supports that this missense variant has a deleterious effect on protein structure/function; Has not been previously published as pathogenic or benign to our knowledge

NM_001845.6(COL4A1):c.517G>A (p.Gly173Ser)

Gene: COL4A1 (collagen type IV alpha 1 chain; minus strand). Cytogenetic location: 13q34.
Variant type: single nucleotide variant.
Coding change: c.517G>A on transcript NM_001845.6 (MANE Select); coding-DNA position 517, G replaced by A.
Protein change: p.Gly173Ser; replaces glycine 173 with serine.
Molecular consequence: missense variant.
Genome position (GRCh38, 1-based): chr13:110,210,164, C>T on the plus strand (G>A on the coding strand, the complement: COL4A1 is on the minus strand). VCF-style: chr13-110210164-C-T. GRCh37 (hg19) VCF-style: chr13-110862511-C-T.
Other names: c.517G>A, p.Gly173Ser (NM_001303110.2); short protein forms G173S.
Identifiers: ClinVar variation 3368878 (VCV003368878.1).